The following is an entry in ClinVar:

ClinVar aggregate classification (germline): Uncertain significance (1 of 4 stars; one submission).

Allele frequency attached by ClinVar (database versions not stated): TOPMed below 0.00001.

Submission:

Labcorp Genetics (formerly Invitae), Labcorp
Classification: Uncertain significance. Last evaluated: 2022-07-04. Review status: criteria provided, single submitter. Criteria: Invitae Variant Classification Sherloc (09022015). Collection method: clinical testing. Allele origin: germline.
Comment: In summary, the available evidence is currently insufficient to determine the role of this variant in disease. Therefore, it has been classified as a Variant of Uncertain Significance. Algorithms developed to predict the effect of missense changes on protein structure and function are either unavailable or do not agree on the potential impact of this missense change (SIFT: "Deleterious"; PolyPhen-2: "Benign"; Align-GVGD: "Class C0"). This variant has not been reported in the literature in individuals affected with GPR179-related conditions. This variant is not present in population databases (gnomAD no frequency). This sequence change replaces glutamic acid, which is acidic and polar, with lysine, which is basic and polar, at codon 1715 of the GPR179 protein (p.Glu1715Lys).

NM_001004334.4(GPR179):c.5143G>A (p.Glu1715Lys)

Gene: GPR179 (G protein-coupled receptor 179; minus strand). Cytogenetic location: 17q12.
Variant type: single nucleotide variant.
Coding change: c.5143G>A on transcript NM_001004334.4 (MANE Select); coding-DNA position 5143, G replaced by A.
Protein change: p.Glu1715Lys; replaces glutamic acid 1715 with lysine.
Molecular consequence: missense variant.
Genome position (GRCh38, 1-based): chr17:38,328,426, C>T on the plus strand (G>A on the coding strand, the complement: GPR179 is on the minus strand). VCF-style: chr17-38328426-C-T. GRCh37 (hg19) VCF-style: chr17-36484309-C-T.
Other names: short protein forms E1715K.
Identifiers: ClinVar variation 2014021 (VCV002014021.4), dbSNP rs2037313058, ClinGen allele CA398873270.